The following is an entry in ClinVar:

ClinVar aggregate classification (germline): Likely benign (0 of 4 stars; one submission).

Conditions:
TNC-related disorder. Also called: TNC-related condition.

Allele frequency attached by ClinVar (database versions not stated): TOPMed 0.00001; gnomAD 0.00002; gnomAD exomes 0.00008; 1000 Genomes Project 30x 0.00016; 1000 Genomes Project 0.00020; ExAC 0.00021.
gnomAD v4.1: 114 of 1,614,014 alleles (0.0071%); highest among the groups gnomAD compares: South Asian, 0.12%; 1 homozygote.

Submission:

PreventionGenetics, part of Exact Sciences
Classification: Likely benign for TNC-related condition. Last evaluated: 2023-05-03. Review status: no assertion criteria provided. Collection method: clinical testing. Allele origin: germline.
Comment: This variant is classified as likely benign based on ACMG/AMP sequence variant interpretation guidelines (Richards et al. 2015 PMID: 25741868, with internal and published modifications).

NM_002160.4(TNC):c.4076G>A (p.Gly1359Asp)

Gene: TNC (tenascin C; minus strand). Cytogenetic location: 9q33.1.
Variant type: single nucleotide variant.
Coding change: c.4076G>A on transcript NM_002160.4 (MANE Select); coding-DNA position 4076, G replaced by A.
Protein change: p.Gly1359Asp; replaces glycine 1359 with aspartic acid.
Molecular consequence: missense variant.
Genome position (GRCh38, 1-based): chr9:115,059,960, C>T on the plus strand (G>A on the coding strand, the complement: TNC is on the minus strand). VCF-style: chr9-115059960-C-T. GRCh37 (hg19) VCF-style: chr9-117822239-C-T.
Other names: c.3803G>A, p.Gly1268Asp (NM_001410991.1); short protein forms G1268D, G1359D.
Identifiers: ClinVar variation 3034137 (VCV003034137.2), dbSNP rs540105775, ClinGen allele CA5208025.